The following is an entry in ClinVar:

NM_006904.7(PRKDC):c.8377C>A (p.Pro2793Thr)

Gene: PRKDC (protein kinase, DNA-activated, catalytic subunit; minus strand). Cytogenetic location: 8q11.21.
Variant type: single nucleotide variant.
Coding change: c.8377C>A on transcript NM_006904.7 (MANE Select); coding-DNA position 8377, C replaced by A.
Protein change: p.Pro2793Thr; replaces proline 2793 with threonine.
Molecular consequence: missense variant.
Genome position (GRCh38, 1-based): chr8:47,830,625, G>T on the plus strand (C>A on the coding strand, the complement: PRKDC is on the minus strand). VCF-style: chr8-47830625-G-T. GRCh37 (hg19) VCF-style: chr8-48743186-G-T.
Other names: c.8377C>A, p.Pro2793Thr (NM_001081640.2); short protein forms P2793T.
Identifiers: ClinVar variation 1763128 (VCV001763128.2), dbSNP rs2551866604, ClinGen allele CA371146610.
Genomic context (GRCh38, chr8:47,830,625, plus strand): 5'-TTTTAACCTGTCAACAGAAAACGCAGCGGCAAAAACTGACCTGGGCCACGGCCTGTAACG[G>T]GGTGATGAGGCTGCTGTGCTTGATCTGAATGTCAGGAAGGTCTCCGTGCCGGTAGCTTCT-3'
Protein context (NP_008835.5, residues 2783-2803): IQIKHSSLIT[Pro2793Thr]LQAVAQRDPI

ClinVar aggregate classification (germline): Uncertain significance (1 of 4 stars; one submission).

Submission:

Ambry Genetics
Classification: Uncertain significance. Last evaluated: 2022-05-06. Review status: criteria provided, single submitter. Criteria: Ambry Variant Classification Scheme 2023. Collection method: clinical testing. Allele origin: germline.
Comment: The p.P2793T variant (also known as c.8377C>A), located in coding exon 61 of the PRKDC gene, results from a C to A substitution at nucleotide position 8377. The proline at codon 2793 is replaced by threonine, an amino acid with highly similar properties. This amino acid position is conserved. In addition, this alteration is predicted to be deleterious by in silico analysis. Since supporting evidence is limited at this time, the clinical significance of this alteration remains unclear.